The following is an entry in ClinVar:

ClinVar aggregate classification (germline): Pathogenic (1 of 4 stars; one submission).

Conditions:
COG5-congenital disorder of glycosylation. Also called: CDG IIi; CONGENITAL DISORDER OF GLYCOSYLATION, TYPE IIi; COG5-CDG. Identifiers: Orphanet 263487, MedGen C3150876, MONDO:0013325, OMIM 613612.

Allele frequency attached by ClinVar (database versions not stated): gnomAD exomes below 0.00001; TOPMed below 0.00001; gnomAD 0.00001.

Submission:

Labcorp Genetics (formerly Invitae), Labcorp
Classification: Pathogenic for COG5-congenital disorder of glycosylation. Last evaluated: 2026-01-28. Review status: criteria provided, single submitter. Criteria: Invitae Variant Classification Sherloc (09022015). Collection method: clinical testing. Allele origin: germline.
Comment: This sequence change creates a premature translational stop signal (p.Arg418Valfs*57) in the COG5 gene. It is expected to result in an absent or disrupted protein product. Loss-of-function variants in COG5 are known to be pathogenic (PMID: 23228021). This variant is not present in population databases (gnomAD no frequency). This variant has not been reported in the literature in individuals affected with COG5-related conditions. ClinVar contains an entry for this variant (Variation ID: 651291). For these reasons, this variant has been classified as Pathogenic.

Literature cited by the submitters: PubMed 23228021.

NM_006348.5(COG5):c.1159del (p.Arg387fs)

Gene: COG5 (component of oligomeric golgi complex 5; minus strand). Cytogenetic location: 7q22.3.
Variant type: Deletion.
Coding change: c.1159del on transcript NM_006348.5 (MANE Select); coding-DNA position 1159, one base deleted (C; older notation c.1159delC).
Protein change: p.Arg387fs; shifts the reading frame from arginine 387.
Molecular consequence: frameshift variant.
Genome position (GRCh38, 1-based): chr7:107,298,296, G deleted on the plus strand (C on the coding strand, the reverse complement: COG5 is on the minus strand). VCF-style (leftmost placement, unchanged base first): chr7-107298295-CG-C. GRCh37 (hg19) VCF-style: chr7-106938740-CG-C.
Other names: c.1159del, p.Arg387fs (NM_001161520.2, NM_001379511.1, NM_001379512.1 and 3 more transcripts); c.589del, p.Arg197fs (NM_001379515.1); c.445del, p.Arg149fs (NM_001379516.1); c.1252delC (NM_006348.3); short protein forms R387fs, R197fs, R149fs.
Identifiers: ClinVar variation 651291 (VCV000651291.6), dbSNP rs1422285851, ClinGen allele CA831152823.